The following is an entry in ClinVar:

ClinVar aggregate classification (germline): Uncertain significance (1 of 4 stars; one submission).

Conditions:
Early Myoclonic Encephalopathy. Identifiers: MedGen C0270855.

gnomAD v4.1: 12 of 1,614,052 alleles (0.00074%); highest among the groups gnomAD compares: South Asian, 0.0011%; no homozygotes.

Submission:

Labcorp Genetics (formerly Invitae), Labcorp
Classification: Uncertain significance for Early Myoclonic Encephalopathy. Last evaluated: 2024-03-15. Review status: criteria provided, single submitter. Criteria: Invitae Variant Classification Sherloc (09022015). Collection method: clinical testing. Allele origin: germline.
Comment: This sequence change replaces isoleucine, which is neutral and non-polar, with leucine, which is neutral and non-polar, at codon 1117 of the JMJD1C protein (p.Ile1117Leu). This variant is not present in population databases (gnomAD no frequency). This variant has not been reported in the literature in individuals affected with JMJD1C-related conditions. Advanced modeling of protein sequence and biophysical properties (such as structural, functional, and spatial information, amino acid conservation, physicochemical variation, residue mobility, and thermodynamic stability) performed at Invitae indicates that this missense variant is not expected to disrupt JMJD1C protein function with a negative predictive value of 80%. In summary, the available evidence is currently insufficient to determine the role of this variant in disease. Therefore, it has been classified as a Variant of Uncertain Significance.

NM_032776.3(JMJD1C):c.3349A>C (p.Ile1117Leu)

Gene: JMJD1C (jumonji domain containing 1C; minus strand). Cytogenetic location: 10q21.3.
Variant type: single nucleotide variant.
Coding change: c.3349A>C on transcript NM_032776.3 (MANE Select); coding-DNA position 3349, A replaced by C.
Protein change: p.Ile1117Leu; replaces isoleucine 1117 with leucine.
Molecular consequence: missense variant. On other transcripts: non-coding transcript variant (1).
Genome position (GRCh38, 1-based): chr10:63,208,320, T>G on the plus strand (A>C on the coding strand, the complement: JMJD1C is on the minus strand). VCF-style: chr10-63208320-T-G. GRCh37 (hg19) VCF-style: chr10-64968080-T-G.
Other names: c.2803A>C, p.Ile935Leu (NM_001282948.2, NM_001318154.2); c.2485A>C, p.Ile829Leu (NM_001318153.2); c.3235A>C, p.Ile1079Leu (NM_001322252.2); c.2692A>C, p.Ile898Leu (NM_001322254.2, NM_001322258.2); short protein forms I829L, I935L, I898L, I1117L, I1079L.
Identifiers: ClinVar variation 3720932 (VCV003720932.2).